The following is an entry in ClinVar:

NM_139276.3(STAT3):c.1261G>A (p.Gly421Arg)

Gene: STAT3 (signal transducer and activator of transcription 3; minus strand). Cytogenetic location: 17q21.2.
Variant type: single nucleotide variant.
Coding change: c.1261G>A on transcript NM_139276.3 (MANE Select); coding-DNA position 1261, G replaced by A.
Protein change: p.Gly421Arg; replaces glycine 421 with arginine.
Molecular consequence: missense variant.
Genome position (GRCh38, 1-based): chr17:42,329,430, C>T on the plus strand (G>A on the coding strand, the complement: STAT3 is on the minus strand). VCF-style: chr17-42329430-C-T. GRCh37 (hg19) VCF-style: chr17-40481448-C-T.
Other names: c.1261G>A, p.Gly421Arg (NM_001369512.1, NM_001369513.1, NM_001369514.1 and 12 more transcripts); c.1183G>A, p.Gly395Arg (NM_001384985.1); c.1276G>A, p.Gly426Arg (NM_001384986.1, NM_001384990.1); c.1165G>A, p.Gly389Arg (NM_001384989.1); c.1201G>A, p.Gly401Arg (NM_001384992.1); short protein forms G421R, G389R, G395R, G401R, G426R.
Identifiers: ClinVar variation 224844 (VCV000224844.14), dbSNP rs869312888, ClinGen allele CA357947.

ClinVar aggregate classification (germline): Pathogenic/Likely pathogenic. Review status: criteria provided, multiple submitters, no conflicts (2 of 4 stars). 6 submissions from 6 submitters: Pathogenic (3); Likely pathogenic (3). Last evaluated 2025-06-23.

Conditions:
STAT3-related disorder. Also called: STAT3-related condition.
STAT3 gain of function. Identifiers: MedGen C4288261.
Hyper-IgE recurrent infection syndrome 1, autosomal dominant. Also called: JOB SYNDROME; HYPER-IgE SYNDROME 1, AUTOSOMAL DOMINANT, WITH RECURRENT INFECTIONS; Hyper-IgE recurrent infection syndrome 1; STAT3 Hyper IgE Syndrome; Job's Syndrome. Identifiers: Orphanet 2314, MedGen C2936739, MONDO:0007818, OMIM 147060.
STAT3-related early-onset multisystem autoimmune disease. Also called: Autoimmune disease, multisystem, infantile-onset, 1. Identifiers: Orphanet 438159, MedGen C4014795, MONDO:0014414, OMIM 615952.

Submissions (6):

Labcorp Genetics (formerly Invitae), Labcorp
Classification: Pathogenic for STAT3 gain of function; Hyper-IgE recurrent infection syndrome 1, autosomal dominant. Last evaluated: 2025-06-23. Review status: criteria provided, single submitter. Criteria: Invitae Variant Classification Sherloc (09022015). Collection method: clinical testing. Allele origin: germline.
Comment: This sequence change replaces glycine, which is neutral and non-polar, with arginine, which is basic and polar, at codon 421 of the STAT3 protein (p.Gly421Arg). This variant is not present in population databases (gnomAD no frequency). This missense change has been observed in individual(s) with clinical features of STAT3 gain of function associated autoimmune disease and/or Evans syndrome (PMID: 25359994, 30940614, 32531373, 32944025). In at least one individual the variant was observed to be de novo. ClinVar contains an entry for this variant (Variation ID: 224844). Invitae Evidence Modeling of protein sequence and biophysical properties (such as structural, functional, and spatial information, amino acid conservation, physicochemical variation, residue mobility, and thermodynamic stability) indicates that this missense variant is not expected to disrupt STAT3 protein function with a negative predictive value of 80%. Experimental studies have shown that this missense change affects STAT3 function (PMID: 25359994). For these reasons, this variant has been classified as Pathogenic.

Department of Human Genetics, Hannover Medical School
Classification: Pathogenic for STAT3-related early-onset multisystem autoimmune disease. Last evaluated: 2024-08-21. Review status: criteria provided, single submitter. Criteria: ACMG Guidelines, 2015. Collection method: clinical testing. Allele origin: germline. Affected: yes.

3billion
Classification: Likely pathogenic for Hyper-IgE recurrent infection syndrome 1, autosomal dominant. Last evaluated: 2021-10-02. Review status: criteria provided, single submitter. Criteria: ACMG Guidelines, 2015. Collection method: clinical testing. Allele origin: germline. Affected: yes. Observed: 1 heterozygote.
Comment: Same nucleotide change resulting in same amino acid change has been previously reported as pathogenic/likely pathogenic with supporting evidence (ClinVar ID: VCV000224844.3, PMID: 30940614 and 25359994, PS1_P). It is not observed in the gnomAD v2.1.1 dataset (PM2). The variant was observed as assumed (i.e. paternity and maternity not confirmed) de novoo (3billion dataset, PM6). In silico tool predictions suggest damaging effect of the variant on gene or gene product (REVEL: 0.653, 3Cnet: 0.951, PP3). Therefore, this variant is classified as likely pathogenic according to th recommendation of ACMG/AMP guideline.

GeneDx
Classification: Likely pathogenic. Last evaluated: 2017-04-11. Review status: criteria provided, single submitter. Criteria: GeneDx Variant Classification (06012015). Collection method: clinical testing. Allele origin: germline. Affected: yes.
Comment: The G421R variant has been published previously in association with STAT3-related disorders (Milner et al., 2015; Khoury et al., 2017). The variant is not observed in large population cohorts (Lek et al., 2016; 1000 Genomes Consortium et al., 2015; Exome Variant Server). G421R is a non-conservative amino acid substitution, which is likely to impact secondary protein structure as these residues differ in polarity, charge, size and/or other properties. This substitution occurs at a position that is conserved across species, and in silico analysis predicts this variant is probably damaging to the protein structure/function. In summary, we consider this variant to be likely pathogenic.

Lupski Lab, Baylor-Hopkins CMG, Baylor College of Medicine
Classification: Pathogenic for STAT3-related early-onset multisystem autoimmune disease. Last evaluated: 2014-10-30. Review status: criteria provided, single submitter. Criteria: Milner et al. (Blood 2015). Collection method: research. Allele origin: inherited. Inheritance: Autosomal dominant inheritance. Affected: yes. Observed: 2 variant alleles, 2 heterozygotes.
Comment: segregates with the phenotype in an affected family

Rady Children's Institute for Genomic Medicine, Rady Children's Hospital San Diego
Classification: Likely pathogenic for STAT3-Related Conditions. Review status: criteria provided, single submitter. Criteria: ACMG Guidelines, 2015. Collection method: clinical testing. Allele origin: germline. Affected: yes.
Comment: This variant has been previously reported as a heterozygous change in patients with Early-onset lymphoproliferation and autoimmunity, Immune dysregulation and Evans syndrome (PMID: 25359994, 30092289, 30940614). Flow cytometry analysis of peripheral blood mononuclear cells from a patient showed delayed phosphorylation compared with healthy controls (PMID: 25359994). It is absent from the gnomAD population database and thus is presumed to be rare. The c.1261G>A (p.Gly421Arg) variant affects a highly conserved amino acid and is predicted by multiple in silico tools to have a deleterious effect on protein function. Analysis of the parental samples was negative for the variant, indicating this variant likely occurred as a de novo event. Based on the available evidence, the c.1261G>A (p.Gly421Arg) variant is classified as Likely Pathogenic.

Literature cited by the submitters: PubMed 25359994 (cited by Labcorp Genetics (formerly Invitae), Labcorp and 3billion); PubMed 30940614 (cited by Labcorp Genetics (formerly Invitae), Labcorp and 3billion); PubMed 32531373 (cited by Labcorp Genetics (formerly Invitae), Labcorp); PubMed 32944025 (cited by Labcorp Genetics (formerly Invitae), Labcorp).